The following is an entry in ClinVar:

NM_000283.4(PDE6B):c.1048G>C (p.Glu350Gln)

Gene: PDE6B (phosphodiesterase 6B; plus strand). Cytogenetic location: 4p16.3.
Variant type: single nucleotide variant.
Coding change: c.1048G>C on transcript NM_000283.4 (MANE Select); coding-DNA position 1048, G replaced by C.
Protein change: p.Glu350Gln; replaces glutamic acid 350 with glutamine.
Molecular consequence: missense variant. On other transcripts: intron variant (1).
Genome position (GRCh38, 1-based): chr4:655,995, G>C. VCF-style: chr4-655995-G-C. GRCh37 (hg19) VCF-style: chr4-649784-G-C.
Other names: c.1048G>C, p.Glu350Gln (NM_001145291.2); c.211G>C, p.Glu71Gln (NM_001145292.2, NM_001350154.3, NM_001379246.1 and 1 more transcripts); c.-48-879G>C (NM_001350155.3); short protein forms E350Q, E71Q.
Identifiers: ClinVar variation 1518723 (VCV001518723.8), dbSNP rs2109207919, ClinGen allele CA355912799.
Genomic context (GRCh38, chr4:655,995, plus strand): 5'-CACAGCACACCCTCAGCCGATCACTGGGCCCTGGCCAGCGGCCTTCCAAGCTACGTGGCA[G>C]AAAGCGGCTTTGTGAGTCCCGTGCTGTCTGGAGTCCCCACAGCCTTGCCCTCACTGGGTG-3'
Protein context (NP_000274.3, residues 340-360): LASGLPSYVA[Glu350Gln]SGFICNIMNA

ClinVar aggregate classification (germline): Uncertain significance (1 of 4 stars; one submission).

gnomAD v4.1: 1 of 1,605,206 alleles (0.000062%); highest among the groups gnomAD compares: Non-Finnish European, 0.000085%; no homozygotes.

Submission:

Labcorp Genetics (formerly Invitae), Labcorp
Classification: Uncertain significance. Last evaluated: 2022-02-10. Review status: criteria provided, single submitter. Criteria: Invitae Variant Classification Sherloc (09022015). Collection method: clinical testing. Allele origin: germline.
Comment: This sequence change replaces glutamic acid, which is acidic and polar, with glutamine, which is neutral and polar, at codon 350 of the PDE6B protein (p.Glu350Gln). This variant is not present in population databases (gnomAD no frequency). This variant has not been reported in the literature in individuals affected with PDE6B-related conditions. Algorithms developed to predict the effect of missense changes on protein structure and function (SIFT, PolyPhen-2, Align-GVGD) all suggest that this variant is likely to be disruptive. In summary, the available evidence is currently insufficient to determine the role of this variant in disease. Therefore, it has been classified as a Variant of Uncertain Significance.